The following is an entry in ClinVar:

NM_006931.3(SLC2A3):c.1464T>C (p.Pro488=)

Gene: SLC2A3 (solute carrier family 2 member 3; minus strand). Cytogenetic location: 12p13.31.
Variant type: single nucleotide variant.
Coding change: c.1464T>C on transcript NM_006931.3 (MANE Select); coding-DNA position 1464, T replaced by C.
Protein change: p.Pro488=; no amino-acid change (proline 488 retained).
Molecular consequence: synonymous variant.
Genome position (GRCh38, 1-based): chr12:7,921,440, A>G on the plus strand (T>C on the coding strand, the complement: SLC2A3 is on the minus strand). VCF-style: chr12-7921440-A-G. GRCh37 (hg19) VCF-style: chr12-8074036-A-G.
Identifiers: ClinVar variation 3388338 (VCV003388338.14).

ClinVar aggregate classification (germline): Likely benign (1 of 4 stars; one submission).

Submission:

CeGaT Center for Human Genetics Tuebingen
Classification: Likely benign. Last evaluated: 2024-09-01. Review status: criteria provided, single submitter. Criteria: CeGaT Center For Human Genetics Tuebingen Variant Classification Criteria Version 2. Collection method: clinical testing. Allele origin: germline. Affected: yes. Observed: 1 variant allele.
Comment: SLC2A3: BP4, BP7